The following is an entry in ClinVar:

NM_003737.4(DCHS1):c.3947G>T (p.Arg1316Leu)

Gene: DCHS1 (dachsous cadherin-related 1; minus strand). Cytogenetic location: 11p15.4.
Variant type: single nucleotide variant.
Coding change: c.3947G>T on transcript NM_003737.4 (MANE Select); coding-DNA position 3947, G replaced by T.
Protein change: p.Arg1316Leu; replaces arginine 1316 with leucine.
Molecular consequence: missense variant.
Genome position (GRCh38, 1-based): chr11:6,630,847, C>A on the plus strand (G>T on the coding strand, the complement: DCHS1 is on the minus strand). VCF-style: chr11-6630847-C-A. GRCh37 (hg19) VCF-style: chr11-6652078-C-A.
Other names: short protein forms R1316L.
Identifiers: ClinVar variation 3609906 (VCV003609906.2).

ClinVar aggregate classification (germline): Uncertain significance (1 of 4 stars; one submission).

gnomAD v4.1: 6 of 1,524,392 alleles (0.00039%); highest among the groups gnomAD compares: African/African-American, 0.0027%; no homozygotes.

Submission:

Labcorp Genetics (formerly Invitae), Labcorp
Classification: Uncertain significance. Last evaluated: 2024-07-01. Review status: criteria provided, single submitter. Criteria: Invitae Variant Classification Sherloc (09022015). Collection method: clinical testing. Allele origin: germline.
Comment: This sequence change replaces arginine, which is basic and polar, with leucine, which is neutral and non-polar, at codon 1316 of the DCHS1 protein (p.Arg1316Leu). The frequency data for this variant in the population databases is considered unreliable, as metrics indicate poor data quality at this position in the gnomAD database. This variant has not been reported in the literature in individuals affected with DCHS1-related conditions. Advanced modeling of protein sequence and biophysical properties (such as structural, functional, and spatial information, amino acid conservation, physicochemical variation, residue mobility, and thermodynamic stability) performed at Invitae indicates that this missense variant is expected to disrupt DCHS1 protein function with a positive predictive value of 80%. In summary, the available evidence is currently insufficient to determine the role of this variant in disease. Therefore, it has been classified as a Variant of Uncertain Significance.